The following is an entry in ClinVar:

ClinVar aggregate classification (germline): Uncertain significance. Review status: criteria provided, multiple submitters, no conflicts (2 of 4 stars). 3 submissions from 3 submitters: Uncertain significance (3). Last evaluated 2025-01-29.

Conditions:
Immunodeficiency 35 (IMD35). Also called: HIES WITH ATYPICAL MYCOBACTERIOSIS, AUTOSOMAL RECESSIVE; HYPER-IgE SYNDROME WITH ATYPICAL MYCOBACTERIOSIS, AUTOSOMAL RECESSIVE; TYK2 DEFICIENCY; Susceptibility to infection due to TYK2 deficiency. Identifiers: Orphanet 331226, MedGen C1969086, MONDO:0012682, OMIM 611521.

Allele frequency attached by ClinVar (database versions not stated): gnomAD exomes 0.00004; ExAC 0.00006; gnomAD 0.00009; TOPMed 0.00013; 1000 Genomes Project 30x 0.00016; 1000 Genomes Project 0.00020.

Submissions (3):

Labcorp Genetics (formerly Invitae), Labcorp
Classification: Uncertain significance for Immunodeficiency 35. Last evaluated: 2025-01-29. Review status: criteria provided, single submitter. Criteria: Invitae Variant Classification Sherloc (09022015). Collection method: clinical testing. Allele origin: germline.
Comment: This sequence change replaces arginine, which is basic and polar, with tryptophan, which is neutral and slightly polar, at codon 243 of the TYK2 protein (p.Arg243Trp). This variant is present in population databases (rs200003143, gnomAD 0.006%). This variant has not been reported in the literature in individuals affected with TYK2-related conditions. ClinVar contains an entry for this variant (Variation ID: 890826). An algorithm developed to predict the effect of missense changes on protein structure and function outputs the following: PolyPhen-2: "Benign". The tryptophan amino acid residue is found in multiple mammalian species, which suggests that this missense change does not adversely affect protein function. In summary, the available evidence is currently insufficient to determine the role of this variant in disease. Therefore, it has been classified as a Variant of Uncertain Significance.

Baylor Genetics
Classification: Uncertain significance for Immunodeficiency 35. Last evaluated: 2020-07-01. Review status: criteria provided, single submitter. Criteria: ACMG Guidelines, 2015. Collection method: clinical testing. Allele origin: maternal. Affected: yes.
Comment: This variant was determined to be of uncertain significance according to ACMG Guidelines, 2015 [PMID:25741868].

Illumina Laboratory Services, Illumina
Classification: Uncertain significance for Immunodeficiency 35. Last evaluated: 2017-07-27. Review status: criteria provided, single submitter. Criteria: ICSL Variant Classification Criteria 13 December 2019. Collection method: clinical testing. Allele origin: germline.
Comment: This variant was observed as part of a predisposition screen in an ostensibly healthy population. A literature search was performed for the gene, cDNA change, and amino acid change (where applicable). Publications were found based on this search. However, the evidence from the literature, in combination with allele frequency data from public databases where available, was not sufficient to rule this variant in or out of causing disease. Therefore, this variant is classified as a variant of unknown significance.

Literature cited by the submitters: PubMed 25849893 (cited by Illumina Laboratory Services, Illumina).

NM_003331.5(TYK2):c.727C>T (p.Arg243Trp)

Gene: TYK2 (tyrosine kinase 2; minus strand). Cytogenetic location: 19p13.2.
Variant type: single nucleotide variant.
Coding change: c.727C>T on transcript NM_003331.5 (MANE Select); coding-DNA position 727, C replaced by T.
Protein change: p.Arg243Trp; replaces arginine 243 with tryptophan.
Molecular consequence: missense variant.
Genome position (GRCh38, 1-based): chr19:10,365,801, G>A on the plus strand (C>T on the coding strand, the complement: TYK2 is on the minus strand). VCF-style: chr19-10365801-G-A. GRCh37 (hg19) VCF-style: chr19-10476477-G-A.
Other names: short protein forms R243W.
Identifiers: ClinVar variation 890826 (VCV000890826.9), dbSNP rs200003143, ClinGen allele CA9193633.